The following is an entry in ClinVar:

ClinVar aggregate classification (germline): Pathogenic/Likely pathogenic. Review status: criteria provided, multiple submitters, no conflicts (2 of 4 stars). 4 submissions from 4 submitters: Pathogenic (2); Likely pathogenic (2). Last evaluated 2024-09-26.

Conditions:
ALMS1-related disorder. Also called: ALMS1-related condition.
Alstrom syndrome (ALMS). Identifiers: Orphanet 64, MedGen C0268425, MONDO:0008763, OMIM 203800.

Allele frequency attached by ClinVar (database versions not stated): gnomAD exomes below 0.00001.

Submissions (4):

Natera, Inc.
Classification: Likely pathogenic for Alstrom syndrome. Last evaluated: 2024-09-26. Review status: criteria provided, single submitter. Criteria: Natera Variant Classification Schema (03/2026). Collection method: clinical testing. Allele origin: germline.
Comment: The c.793dupA variant in ALMS1 is a frameshift variant predicted to shift the reading frame beginning at codon 265 and leads to a stop codon 2 codons downstream. This variant is expected to result in nonsense mediated decay, truncation, or a dysfunctional protein product. This variant is rare in the general population with a frequency below the threshold expected for the associated phenotype(s). Given the available evidence, this variant is classified as Likely Pathogenic.

Labcorp Genetics (formerly Invitae), Labcorp
Classification: Pathogenic for Alstrom syndrome. Last evaluated: 2023-11-09. Review status: criteria provided, single submitter. Criteria: Invitae Variant Classification Sherloc (09022015). Collection method: clinical testing. Allele origin: germline.
Comment: This sequence change creates a premature translational stop signal (p.Thr265Asnfs*2) in the ALMS1 gene. It is expected to result in an absent or disrupted protein product. Loss-of-function variants in ALMS1 are known to be pathogenic (PMID: 17594715). This variant is not present in population databases (gnomAD no frequency). This variant has not been reported in the literature in individuals affected with ALMS1-related conditions. ClinVar contains an entry for this variant (Variation ID: 1455567). For these reasons, this variant has been classified as Pathogenic.

Molecular Diagnostics Lab, Nemours Children's Health, Delaware
Classification: Pathogenic for Alstrom syndrome. Last evaluated: 2021-08-05. Review status: criteria provided, single submitter. Criteria: ACMG Guidelines, 2015. Collection method: clinical testing. Allele origin: unknown. Inheritance: Autosomal recessive inheritance. Affected: no. Observed: 1 heterozygote.
Comment: This frameshift variant (c.793dupA; p.Thr265Asnfs*2) predicts a premature stop and has not been reported in population databases (gnomAD). It has been described in the literature (PMID 17594715).

Blueprint Genetics
Classification: Likely pathogenic for ALMS1-related disorders. Last evaluated: 2019-01-09. Review status: criteria provided, single submitter. Criteria: ACMG Guidelines, 2015. Collection method: clinical testing. Allele origin: germline. Affected: yes. Observed: 1 variant allele.

Literature cited by the submitters: PubMed 17594715 (cited by Labcorp Genetics (formerly Invitae), Labcorp).

NM_001378454.1(ALMS1):c.790dup (p.Thr264fs)

Gene: ALMS1 (ALMS1 centrosome and basal body associated protein; plus strand). Cytogenetic location: 2p13.1.
Variant type: Duplication.
Coding change: c.790dup on transcript NM_001378454.1 (MANE Select); coding-DNA position 790, one base duplicated (A; older notation c.790dupA).
Protein change: p.Thr264fs; shifts the reading frame from threonine 264.
Molecular consequence: frameshift variant.
Genome position (GRCh38, 1-based): chr2:73,424,455, A duplicated. VCF-style (leftmost placement, unchanged base first): chr2-73424454-T-TA. GRCh37 (hg19) VCF-style: chr2-73651582-T-TA.
Other names: c.793dupA (NM_015120.4); c.793dup, p.Thr265fs (NM_015120.4); short protein forms T264fs, T265fs.
Identifiers: ClinVar variation 1455567 (VCV001455567.10), dbSNP rs1307785790, ClinGen allele CA892839658.